The following is an entry in ClinVar:

ClinVar aggregate classification (germline): Conflicting classifications of pathogenicity. Review status: criteria provided, conflicting classifications (1 of 4 stars). 5 submissions from 5 submitters: Uncertain significance (2); Likely benign (2). 1 of the submissions does not count toward it. Last evaluated 2026-01-27.

Conditions:
Beta-thalassemia HBB/LCRB. Identifiers: MedGen CN322236, MONDO:0013517, OMIM 613985.
METHEMOGLOBINEMIA, BETA TYPE. Also called: Methemoglobinemia, beta-globin type. Identifiers: MedGen C1840779, OMIM 617971.
Hb SS disease (SCD). Also called: Sickle cell anemia; Sickle cell disease; HbS disease; Hemoglobin S Disease; Sickling disorder due to hemoglobin S; Hemoglobin SS. Identifiers: Orphanet 232, Orphanet 275752, MedGen C0002895, MONDO:0011382, OMIM 603903.
Dominant beta-thalassemia. Also called: Beta-thalassemia, dominant inclusion body type. Identifiers: Orphanet 231226, Orphanet 848, MedGen C1858990, MONDO:0011381, OMIM 603902.
Erythrocytosis, familial, 6. Also called: ERYTHROCYTOSIS, BETA-GLOBIN TYPE; POLYCYTHEMIA, BETA-GLOBIN TYPE. Identifiers: MedGen C4693822, MONDO:0054801, OMIM 617980.
Heinz body anemia. Also called: Heinz body hemolytic anemia. Identifiers: Orphanet 178330, MedGen C0700299, MONDO:0007705, OMIM 140700, HP:0005511.
Malaria, susceptibility to. Identifiers: Orphanet 673, MedGen C1970028, MONDO:0021024, OMIM 611162.
Hereditary persistence of fetal hemoglobin. Identifiers: MedGen C0019025, MONDO:0020989, OMIM 141749.

Allele frequency attached by ClinVar (database versions not stated): ExAC 0.00004; gnomAD 0.00005; gnomAD exomes 0.00006; TOPMed 0.00006.
gnomAD v4.1: 100 of 1,613,344 alleles (0.0062%); highest among the groups gnomAD compares: Middle Eastern, 0.066%; no homozygotes.

Submissions (5):

Labcorp Genetics (formerly Invitae), Labcorp
Classification: Likely benign. Last evaluated: 2026-01-27. Review status: criteria provided, single submitter. Criteria: Invitae Variant Classification Sherloc (09022015). Collection method: clinical testing. Allele origin: germline.

Women's Health and Genetics/Laboratory Corporation of America, LabCorp
Classification: Likely benign. Last evaluated: 2026-01-15. Review status: criteria provided, single submitter. Criteria: LabCorp Variant Classification Summary - May 2015. Collection method: clinical testing. Allele origin: germline.
Comment: Variant summary: HBB c.316-30A>C is located at a position not widely known to affect splicing. Consensus agreement among computation tools predict no significant impact on normal splicing. However, these predictions have yet to be confirmed by functional studies. The variant allele was found at a frequency of 6e-05 in 251658 control chromosomes. This frequency is not significantly higher than estimated for disease-causing variants in HBB, allowing no conclusion about variant significance. c.316-30A>C has been observed in individual(s) affected with Beta Thalassemia who were also heterozygous for c.92+1G>A (examples: Azimi_2019, Arpaci_HBB_2021,Ozalp_2024). These report(s) do not provide unequivocal conclusions about association of the variant with Beta Thalassemia. To our knowledge, no experimental evidence demonstrating an impact on protein function has been reported. ClinVar contains an entry for this variant (Variation ID: 36317). Based on the evidence outlined above, the variant was classified as likely benign.

CeGaT Center for Human Genetics Tuebingen
Classification: Uncertain significance. Last evaluated: 2025-07-01. Review status: criteria provided, single submitter. Criteria: CeGaT Center For Human Genetics Tuebingen Variant Classification Criteria Version 2. Collection method: clinical testing. Allele origin: germline. Affected: yes. Observed: 1 variant allele.

Fulgent Genetics
Classification: Uncertain significance for Heinz body anemia; Hereditary persistence of fetal hemoglobin; Dominant beta-thalassemia; Hb SS disease; Malaria, susceptibility to; Beta-thalassemia HBB/LCRB; METHEMOGLOBINEMIA, BETA TYPE; Erythrocytosis, familial, 6. Last evaluated: 2024-01-15. Review status: criteria provided, single submitter. Criteria: ACMG Guidelines, 2015. Collection method: clinical testing. Allele origin: germline.

Zotz-Klimas Genetics Lab, MVZ Zotz Klimas
Classification: Uncertain significance for Beta-thalassemia HBB/LCRB. Last evaluated: 2023-10-09. Review status: no assertion criteria provided. Collection method: clinical testing. Allele origin: germline. Affected: yes. Not counted in ClinVar's aggregate classification.

Literature cited by the submitters: PubMed 33851260 (cited by Women's Health and Genetics/Laboratory Corporation of America, LabCorp); PubMed 31146650 (cited by Women's Health and Genetics/Laboratory Corporation of America, LabCorp); PubMed 38708170 (cited by Women's Health and Genetics/Laboratory Corporation of America, LabCorp).

NM_000518.5(HBB):c.316-30A>C

Genes: HBB (hemoglobin subunit beta; minus strand), LOC110006319 (beta-globin gene 3' regulatory region; plus strand), LOC107133510 (origin of replication at HBB; plus strand). Cytogenetic location: 11p15.4.
Variant type: single nucleotide variant.
Coding change: c.316-30A>C on transcript NM_000518.5 (MANE Select); 30 bases into the intron before coding-DNA position 316, A replaced by C.
Molecular consequence: intron variant.
Genome position (GRCh38, 1-based): chr11:5,225,756, T>G on the plus strand (A>C on the coding strand, the complement: HBB is on the minus strand). VCF-style: chr11-5225756-T-G. GRCh37 (hg19) VCF-style: chr11-5246986-T-G.
Identifiers: ClinVar variation 36317 (VCV000036317.28), dbSNP rs193922558, ClinGen allele CA342862.